The following is an entry in ClinVar:

NM_013450.4(BAZ2B):c.2912A>G (p.Lys971Arg)

Gene: BAZ2B (bromodomain adjacent to zinc finger domain 2B; minus strand). Cytogenetic location: 2q24.2.
Variant type: single nucleotide variant.
Coding change: c.2912A>G on transcript NM_013450.4 (MANE Select); coding-DNA position 2912, A replaced by G.
Protein change: p.Lys971Arg; replaces lysine 971 with arginine.
Molecular consequence: missense variant.
Genome position (GRCh38, 1-based): chr2:159,398,881, T>C on the plus strand (A>G on the coding strand, the complement: BAZ2B is on the minus strand). VCF-style: chr2-159398881-T-C. GRCh37 (hg19) VCF-style: chr2-160255392-T-C.
Other names: c.2804A>G, p.Lys935Arg (NM_001289975.1); c.2723A>G, p.Lys908Arg (NM_001329857.2); c.2810A>G, p.Lys937Arg (NM_001329858.2); short protein forms K908R, K935R, K937R, K971R.
Identifiers: ClinVar variation 3572753 (VCV003572753.1).
Genomic context (GRCh38, chr2:159,398,881, plus strand): 5'-AAACTAACCTTTATTCGTTTCTCGGCCTCCAATAATTTGGCATTTGCCGCTTCTTCCTTC[T>C]TTTTCTTTTTAGCCTGTGCATGCAAAACAGGTCTCAAAGTCATGCAACAGCACCACTACA-3'
Protein context (NP_038478.2, residues 961-981): AQQILEAKKK[Lys971Arg]KEEAANAKLL

ClinVar aggregate classification (germline): Uncertain significance (1 of 4 stars; one submission).

Submission:

GeneDx
Classification: Uncertain significance. Last evaluated: 2024-07-09. Review status: criteria provided, single submitter. Criteria: GeneDx Variant Classification Process June 2021. Collection method: clinical testing. Allele origin: germline. Affected: yes.
Comment: Not observed at significant frequency in large population cohorts (gnomAD); In silico analysis indicates that this missense variant does not alter protein structure/function; Has not been previously published as pathogenic or benign to our knowledge